The following is an entry in ClinVar:

NM_003072.5(SMARCA4):c.3311_3318del (p.Gln1104fs)

Gene: SMARCA4 (SWI/SNF related BAF chromatin remodeling complex subunit ATPase 4; plus strand). Cytogenetic location: 19p13.2.
Variant type: Deletion.
Coding change: c.3311_3318del on transcript NM_003072.5 (MANE Select); coding-DNA positions 3311 to 3318, 8 bases deleted (AAATGACC; older notation c.3311_3318delAAATGACC).
Protein change: p.Gln1104fs; shifts the reading frame from glutamine 1104.
Molecular consequence: frameshift variant. On other transcripts: non-coding transcript variant (1).
Genome position (GRCh38, 1-based): chr19:11,027,879-11,027,886, AAATGACC deleted; deleting any 8 consecutive bases within chr19:11,027,877-11,027,886 gives the same sequence; the c. name uses the placement nearest the transcript's 3' end. VCF-style (leftmost placement, unchanged base first): chr19-11027876-GCCAAATGA-G. GRCh37 (hg19) VCF-style: chr19-11138552-GCCAAATGA-G.
Other names: c.3311_3318del, p.Gln1104fs (NM_001128844.3, NM_001128845.2, NM_001128846.2 and 6 more transcripts); short protein forms Q1104fs.
Identifiers: ClinVar variation 3233102 (VCV003233102.1), dbSNP rs2515118170, ClinGen allele CA2825002743.

ClinVar aggregate classification (germline): Pathogenic (1 of 4 stars; one submission).

Conditions:
Hereditary cancer-predisposing syndrome. Also called: Neoplastic Syndromes, Hereditary; Tumor predisposition; Hereditary neoplastic syndrome; Hereditary Cancer Syndrome. Identifiers: Orphanet 140162, MedGen C0027672, MeSH D009386, MONDO:0015356.

Submission:

Ambry Genetics
Classification: Pathogenic for Hereditary cancer-predisposing syndrome. Last evaluated: 2024-02-14. Review status: criteria provided, single submitter. Criteria: Ambry Variant Classification Scheme 2023. Collection method: clinical testing. Allele origin: germline.
Comment: The c.3311_3318delAAATGACC pathogenic mutation, located in coding exon 23 of the SMARCA4 gene, results from a deletion of 8 nucleotides at nucleotide positions 3311 to 3318, causing a translational frameshift with a predicted alternate stop codon (p.Q1104Lfs*16). Loss-of-function variants in SMARCA4 are known to cause rhabdoid tumor predisposition syndrome including small cell carcinoma of the ovary-hypercalcemic type (SCCOHT); however, such associations with neurodevelopmental disorders are exceedingly rare (Kosho T et al. Am J Med Genet C Semin Med Genet. 2014 Sep;166C(3):262-75; Jelinic P et al. Nat Genet. 2014 May;46(5):424-6). This alteration is expected to result in loss of function by premature protein truncation or nonsense-mediated mRNA decay. Based on the supporting evidence, this alteration is pathogenic for rhabdoid tumor predisposition syndrome; however, the association of this alteration with Coffin-Siris syndrome is unlikely.